The following is an entry in ClinVar:

ClinVar aggregate classification (germline): Pathogenic/Likely pathogenic. Review status: criteria provided, multiple submitters, no conflicts (2 of 4 stars). 6 submissions from 5 submitters: Pathogenic (3); Likely pathogenic (2). 1 of the submissions does not count toward it. Last evaluated 2023-11-04.

Conditions:
USH2A-related disorder. Also called: USH2A-related condition; USH2A-related disorders. Identifiers: MedGen CN239332.
Usher syndrome type 2A. Also called: RETINAL DISEASE IN USHER SYNDROME TYPE IIA, MODIFIER OF; USHER SYNDROME, TYPE IIA. Identifiers: Orphanet 231178, Orphanet 886, MedGen C1848634, MONDO:0010169, OMIM 276901.
Retinitis pigmentosa 39 (RP39). Identifiers: Orphanet 791, MedGen C3151138, MONDO:0013436, OMIM 613809.

Allele frequency attached by ClinVar (database versions not stated): TOPMed below 0.00001; gnomAD exomes 0.00001; gnomAD 0.00003.
gnomAD v4.1: 8 of 1,614,062 alleles (0.0005%); highest among the groups gnomAD compares: Non-Finnish European, 0.00068%; no homozygotes.

Submissions (6):

Genome-Nilou Lab
Classification: Likely pathogenic for Retinitis pigmentosa 39. Last evaluated: 2023-11-04. Review status: criteria provided, single submitter. Criteria: ACMG Guidelines, 2015. Collection method: clinical testing. Allele origin: germline. Affected: no.

Genome-Nilou Lab
Classification: Likely pathogenic for Usher syndrome type 2A. Last evaluated: 2023-11-04. Review status: criteria provided, single submitter. Criteria: ACMG Guidelines, 2015. Collection method: clinical testing. Allele origin: germline. Affected: no.

Labcorp Genetics (formerly Invitae), Labcorp
Classification: Pathogenic. Last evaluated: 2023-09-25. Review status: criteria provided, single submitter. Criteria: Invitae Variant Classification Sherloc (09022015). Collection method: clinical testing. Allele origin: germline.
Comment: This sequence change creates a premature translational stop signal (p.Trp1169*) in the USH2A gene. It is expected to result in an absent or disrupted protein product. Loss-of-function variants in USH2A are known to be pathogenic (PMID: 10729113, 10909849, 20507924, 25649381). This variant is present in population databases (no rsID available, gnomAD 0.007%). This premature translational stop signal has been observed in individual(s) with Usher syndrome (PMID: 26969326). ClinVar contains an entry for this variant (Variation ID: 419244). For these reasons, this variant has been classified as Pathogenic.

Blueprint Genetics
Classification: Pathogenic for USH2A-related disorders. Last evaluated: 2019-08-22. Review status: criteria provided, single submitter. Criteria: ACMG Guidelines, 2015. Collection method: clinical testing. Allele origin: germline. Affected: yes. Observed: 3 variant alleles.

GeneDx
Classification: Pathogenic. Last evaluated: 2015-07-06. Review status: criteria provided, single submitter. Criteria: GeneDx Variant Classification (06012015). Collection method: clinical testing. Allele origin: germline. Affected: yes.
Comment: The W1169X nonsense variant in the USH2A gene is predicted to cause loss of normal protein functioneither through protein truncation or nonsense-mediated mRNA decay. Although this variant has not beenreported previously to our knowledge, we interpret it as pathogenic.

Counsyl
Classification: Likely pathogenic for Usher syndrome type 2A; Retinitis pigmentosa 39. Last evaluated: 2018-05-01. Review status: no assertion criteria provided. Collection method: clinical testing. Allele origin: unknown. Not counted in ClinVar's aggregate classification.

Literature cited by the submitters: PubMed 10729113 (cited by Labcorp Genetics (formerly Invitae), Labcorp); PubMed 10909849 (cited by Labcorp Genetics (formerly Invitae), Labcorp); PubMed 20507924 (cited by Labcorp Genetics (formerly Invitae), Labcorp); PubMed 25649381 (cited by Labcorp Genetics (formerly Invitae), Labcorp); PubMed 26969326 (cited by Labcorp Genetics (formerly Invitae), Labcorp and Counsyl).

NM_206933.4(USH2A):c.3507G>A (p.Trp1169Ter)

Genes: USH2A (usherin; minus strand), USH2A-AS1 (USH2A antisense RNA 1; plus strand). Cytogenetic location: 1q41.
Variant type: single nucleotide variant.
Coding change: c.3507G>A on transcript NM_206933.4 (MANE Select); coding-DNA position 3507, G replaced by A.
Protein change: p.Trp1169Ter; replaces tryptophan 1169 with a stop codon.
Molecular consequence: nonsense.
Genome position (GRCh38, 1-based): chr1:216,199,931, C>T on the plus strand (G>A on the coding strand, the complement: USH2A is on the minus strand). VCF-style: chr1-216199931-C-T. GRCh37 (hg19) VCF-style: chr1-216373273-C-T.
Other names: c.3507G>A, p.Trp1169Ter (NM_007123.6); short protein forms W1169*.
Identifiers: ClinVar variation 419244 (VCV000419244.8), dbSNP rs1064793745, ClinGen allele CA16617060.